The following is an entry in ClinVar:

NM_006005.3(WFS1):c.17C>G (p.Ala6Gly)

Gene: WFS1 (wolframin ER transmembrane glycoprotein; plus strand). Cytogenetic location: 4p16.1.
Variant type: single nucleotide variant.
Coding change: c.17C>G on transcript NM_006005.3 (MANE Select); coding-DNA position 17, C replaced by G.
Protein change: p.Ala6Gly; replaces alanine 6 with glycine.
Molecular consequence: missense variant.
Genome position (GRCh38, 1-based): chr4:6,277,472, C>G. VCF-style: chr4-6277472-C-G. GRCh37 (hg19) VCF-style: chr4-6279199-C-G.
Other names: p.Ala6Gly; c.17C>G, p.Ala6Gly (NM_001145853.1); short protein forms A6G.
Identifiers: ClinVar variation 3981546 (VCV003981546.3).
Genomic context (GRCh38, chr4:6,277,472, plus strand): 5'-GCCGGTGCTGGATGTGCCTGACCTTGACTTTTCTTCCAGGCAGGATGGACTCCAACACTG[C>G]TCCGCTGGGCCCCTCCTGCCCACAGCCCCCGCCAGCACCGCAGCCCCAGGCGCGTTCCCG-3'
Protein context (NP_005996.2, residues 1-16): MDSNT[Ala6Gly]PLGPSCPQPP

ClinVar aggregate classification (germline): Uncertain significance. Review status: criteria provided, multiple submitters, no conflicts (2 of 4 stars). 3 submissions from 3 submitters: Uncertain significance (3). Last evaluated 2025-04-13.

Conditions:
Inborn genetic diseases. Identifiers: MedGen C0950123, MeSH D030342.

Submissions (3):

Labcorp Genetics (formerly Invitae), Labcorp
Classification: Uncertain significance. Last evaluated: 2025-04-13. Review status: criteria provided, single submitter. Criteria: Invitae Variant Classification Sherloc (09022015). Collection method: clinical testing. Allele origin: germline.
Comment: This sequence change replaces alanine, which is neutral and non-polar, with glycine, which is neutral and non-polar, at codon 6 of the WFS1 protein (p.Ala6Gly). This variant is present in population databases (no rsID available, gnomAD 0.002%). This variant has not been reported in the literature in individuals affected with WFS1-related conditions. Invitae Evidence Modeling of protein sequence and biophysical properties (such as structural, functional, and spatial information, amino acid conservation, physicochemical variation, residue mobility, and thermodynamic stability) indicates that this missense variant is not expected to disrupt WFS1 protein function with a negative predictive value of 80%. In summary, the available evidence is currently insufficient to determine the role of this variant in disease. Therefore, it has been classified as a Variant of Uncertain Significance.

Ambry Genetics
Classification: Uncertain significance for Inborn genetic diseases. Last evaluated: 2025-04-10. Review status: criteria provided, single submitter. Criteria: Ambry Variant Classification Scheme 2023. Collection method: clinical testing. Allele origin: germline.

Mayo Clinic Laboratories, Mayo Clinic
Classification: Uncertain significance. Last evaluated: 2024-10-16. Review status: criteria provided, single submitter. Criteria: ACMG Guidelines, 2015. Collection method: clinical testing. Allele origin: germline. Observed: 1 variant allele.
Comment: BP4, PM2_supporting